The following is an entry in ClinVar:

NM_005027.4(PIK3R2):c.1652C>T (p.Ser551Leu)

Gene: PIK3R2 (phosphoinositide-3-kinase regulatory subunit 2; plus strand). Cytogenetic location: 19p13.11.
Variant type: single nucleotide variant.
Coding change: c.1652C>T on transcript NM_005027.4 (MANE Select); coding-DNA position 1652, C replaced by T.
Protein change: p.Ser551Leu; replaces serine 551 with leucine.
Molecular consequence: missense variant. On other transcripts: non-coding transcript variant (2).
Genome position (GRCh38, 1-based): chr19:18,167,222, C>T. VCF-style: chr19-18167222-C-T. GRCh37 (hg19) VCF-style: chr19-18278032-C-T.
Other names: short protein forms S551L.
Identifiers: ClinVar variation 2183947 (VCV002183947.4), dbSNP rs756172410, ClinGen allele CA9307091.

ClinVar aggregate classification (germline): Uncertain significance (1 of 4 stars; one submission).

Conditions:
Megalencephaly-polymicrogyria-postaxial polydactyly-hydrocephalus syndrome. Also called: MPPH Syndrome; MEG-PMG-MEGACC SYNDROME. Identifiers: Orphanet 83473, MedGen C1863924, MONDO:0019375.

gnomAD v4.1: 39 of 1,611,914 alleles (0.0024%); highest among the groups gnomAD compares: East Asian, 0.0045%; no homozygotes.

Submission:

Labcorp Genetics (formerly Invitae), Labcorp
Classification: Uncertain significance for Megalencephaly-polymicrogyria-postaxial polydactyly-hydrocephalus syndrome. Last evaluated: 2024-05-21. Review status: criteria provided, single submitter. Criteria: Invitae Variant Classification Sherloc (09022015). Collection method: clinical testing. Allele origin: germline.
Comment: This sequence change replaces serine, which is neutral and polar, with leucine, which is neutral and non-polar, at codon 551 of the PIK3R2 protein (p.Ser551Leu). This variant is present in population databases (rs756172410, gnomAD 0.005%). This variant has not been reported in the literature in individuals affected with PIK3R2-related conditions. ClinVar contains an entry for this variant (Variation ID: 2183947). Advanced modeling of protein sequence and biophysical properties (such as structural, functional, and spatial information, amino acid conservation, physicochemical variation, residue mobility, and thermodynamic stability) performed at Invitae indicates that this missense variant is not expected to disrupt PIK3R2 protein function with a negative predictive value of 80%. In summary, the available evidence is currently insufficient to determine the role of this variant in disease. Therefore, it has been classified as a Variant of Uncertain Significance.